The following is an entry in ClinVar:

ClinVar aggregate classification (germline): Benign/Likely benign. Review status: criteria provided, multiple submitters, no conflicts (2 of 4 stars). 20 submissions from 17 submitters: Benign (14); Likely benign (3). 3 of the submissions do not count toward it. Last evaluated 2026-08-01.

Conditions:
Cardiovascular phenotype. Identifiers: MedGen CN230736.
Dilated cardiomyopathy 1G (CMD1G). Identifiers: Orphanet 154, MedGen C1858763, MONDO:0011400, OMIM 604145.
Autosomal recessive limb-girdle muscular dystrophy type 2J (LGMDR10). Also called: MUSCULAR DYSTROPHY, LIMB-GIRDLE, AUTOSOMAL RECESSIVE 10; Limb-girdle muscular dystrophy, type 2J. Identifiers: Orphanet 140922, MedGen C1837342, MONDO:0012127, OMIM 608807.
Cardiomyopathy (CMYO). Also called: Cardiomyopathies. Identifiers: Orphanet 167848, MedGen C0878544, MONDO:0004994, HP:0001638. Inheritance: Various modes of inheritance.
Early-onset myopathy with fatal cardiomyopathy (CMYO5). Also called: CONGENITAL MYOPATHY 5 WITH CARDIOMYOPATHY; Salih Myopathy. Identifiers: Orphanet 289377, MedGen C2673677, MONDO:0012714, OMIM 611705. Disease mechanism: loss of function.
Myopathy, myofibrillar, 9, with early respiratory failure (MFM9). Also called: Myopathy, distal, with early respiratory failure, autosomal dominant; Hereditary myopathy with early respiratory failure; MYOPATHY, PROXIMAL, WITH EARLY RESPIRATORY MUSCLE INVOLVEMENT; EDSTROM MYOPATHY. Identifiers: Orphanet 178464, Orphanet 34521, MedGen C1863599, MONDO:0011362, OMIM 603689.
Tibial muscular dystrophy (TMD). Also called: Udd Distal Myopathy – Tibial Muscular Dystrophy; Tibial muscular dystrophy, tardive; UDD MYOPATHY. Identifiers: Orphanet 609, MedGen C1838244, MONDO:0010870, OMIM 600334.

Allele frequency attached by ClinVar (database versions not stated): gnomAD exomes 0.00023 and 0.00053; ESP Exome Variant Server 0.00208; gnomAD 0.00214 and 0.00235; ExAC 0.00069; TOPMed 0.00247; 1000 Genomes Project 0.00260; 1000 Genomes Project 30x 0.00344.
gnomAD v4.1: 675 of 1,613,920 alleles (0.042%); highest among the groups gnomAD compares: African/African-American, 0.82%; 1 homozygote.

Submissions (20):

CeGaT Center for Human Genetics Tuebingen
Classification: Likely benign. Last evaluated: 2026-08-01. Review status: criteria provided, single submitter. Criteria: CeGaT Center For Human Genetics Tuebingen Variant Classification Criteria Version 2. Collection method: clinical testing. Allele origin: germline. Affected: yes. Observed: 3 variant alleles.
Comment: TTN: BP4, BP7

Labcorp Genetics (formerly Invitae), Labcorp
Classification: Benign for Dilated cardiomyopathy 1G; Autosomal recessive limb-girdle muscular dystrophy type 2J. Last evaluated: 2026-02-01. Review status: criteria provided, single submitter. Criteria: Invitae Variant Classification Sherloc (09022015). Collection method: clinical testing. Allele origin: germline.

ARUP Laboratories, Molecular Genetics and Genomics, ARUP Laboratories
Classification: Benign. Last evaluated: 2025-05-20. Review status: criteria provided, single submitter. Criteria: ARUP Molecular Germline Variant Investigation Process 2024. Collection method: clinical testing. Allele origin: germline.

Molecular Diagnostic Laboratory for Inherited Cardiovascular Disease, Montreal Heart Institute
Classification: Benign. Last evaluated: 2025-04-09. Review status: criteria provided, single submitter. Criteria: ACMG Guidelines, 2015. Collection method: clinical testing. Allele origin: germline. Affected: no.

Blueprint Genetics
Classification: Likely benign. Last evaluated: 2024-11-06. Review status: criteria provided, single submitter. Criteria: ACMG Guidelines, 2015. Collection method: clinical testing. Allele origin: germline.

CHEO Genetics Diagnostic Laboratory, Children's Hospital of Eastern Ontario
Classification: Benign for Cardiomyopathy. Last evaluated: 2022-12-12. Review status: criteria provided, single submitter. Criteria: ACMG Guidelines, 2015. Collection method: clinical testing. Allele origin: germline.

Women's Health and Genetics/Laboratory Corporation of America, LabCorp
Classification: Benign. Last evaluated: 2022-05-07. Review status: criteria provided, single submitter. Criteria: LabCorp Variant Classification Summary - May 2015. Collection method: clinical testing. Allele origin: germline.

Genome-Nilou Lab
Classification: Benign for Autosomal recessive limb-girdle muscular dystrophy type 2J. Last evaluated: 2021-09-10. Review status: criteria provided, single submitter. Criteria: ACMG Guidelines, 2015. Collection method: clinical testing. Allele origin: germline. Affected: no.

Genome-Nilou Lab
Classification: Benign for Myopathy, myofibrillar, 9, with early respiratory failure. Last evaluated: 2021-09-10. Review status: criteria provided, single submitter. Criteria: ACMG Guidelines, 2015. Collection method: clinical testing. Allele origin: germline. Affected: no.

Genome-Nilou Lab
Classification: Benign for Early-onset myopathy with fatal cardiomyopathy. Last evaluated: 2021-09-10. Review status: criteria provided, single submitter. Criteria: ACMG Guidelines, 2015. Collection method: clinical testing. Allele origin: germline. Affected: no.

Genome-Nilou Lab
Classification: Benign for Tibial muscular dystrophy. Last evaluated: 2021-09-10. Review status: criteria provided, single submitter. Criteria: ACMG Guidelines, 2015. Collection method: clinical testing. Allele origin: germline. Affected: no.

Athena Diagnostics
Classification: Benign. Last evaluated: 2018-12-27. Review status: criteria provided, single submitter. Criteria: Athena Diagnostics Criteria. Collection method: clinical testing. Allele origin: germline.

Eurofins Ntd Llc (ga)
Classification: Benign. Last evaluated: 2016-08-01. Review status: criteria provided, single submitter. Criteria: EGL Classification Definitions 2015. Collection method: clinical testing. Allele origin: germline. Observed: 5 variant alleles, 5 heterozygotes.

Ambry Genetics
Classification: Benign for Cardiovascular phenotype. Last evaluated: 2016-01-21. Review status: criteria provided, single submitter. Criteria: Ambry Variant Classification Scheme 2023. Collection method: clinical testing. Allele origin: germline.

GeneDx
Classification: Benign. Last evaluated: 2014-05-15. Review status: criteria provided, single submitter. Criteria: GeneDx Variant Classification (06012015). Collection method: clinical testing. Allele origin: germline. Affected: yes.
Comment: This variant is considered likely benign or benign based on one or more of the following criteria: it is a conservative change, it occurs at a poorly conserved position in the protein, it is predicted to be benign by multiple in silico algorithms, and/or has population frequency not consistent with disease.

Laboratory for Molecular Medicine, Mass General Brigham Personalized Medicine
Classification: Benign. Last evaluated: 2012-04-10. Review status: criteria provided, single submitter. Criteria: LMM Criteria. Collection method: clinical testing. Allele origin: germline. Observed: 3 variant alleles.
Comment: Asp31120Asp in Exon 307 of TTN: This variant is not expected to have clinical si gnificance because it does not alter an amino acid residue, is not located withi n the splice consensus sequence and has been identified in 0.7% (23/3396) of Afr ican American chromosomes from a broad population by the NHLBI Exome Sequencing Project.

Breakthrough Genomics
Classification: Likely benign. Review status: criteria provided, single submitter. Criteria: ACMG Guidelines, 2015. Collection method: not provided. Allele origin: germline. Inheritance: Autosomal recessive inheritance. Affected: yes.

Clinical Genetics DNA and cytogenetics Diagnostics Lab, Erasmus MC, Erasmus Medical Center
Classification: Likely benign. Review status: no assertion criteria provided. Collection method: clinical testing. Allele origin: germline. Affected: yes. Study: VKGL Data-share Consensus. Not counted in ClinVar's aggregate classification.

Clinical Genetics, Academic Medical Center
Classification: Benign. Review status: no assertion criteria provided. Collection method: clinical testing. Allele origin: germline. Affected: yes. Study: VKGL Data-share Consensus. Not counted in ClinVar's aggregate classification.

Diagnostic Laboratory, Department of Genetics, University Medical Center Groningen
Classification: Likely benign. Review status: no assertion criteria provided. Collection method: clinical testing. Allele origin: germline. Affected: yes. Study: VKGL Data-share Consensus. Not counted in ClinVar's aggregate classification.

NM_001267550.2(TTN):c.101064T>C (p.Asp33688=)

Genes: TTN (titin; minus strand), TTN-AS1 (TTN antisense RNA 1; plus strand). Cytogenetic location: 2q31.2.
Variant type: single nucleotide variant.
Coding change: c.101064T>C on transcript NM_001267550.2 (MANE Select); coding-DNA position 101064, T replaced by C.
Protein change: p.Asp33688=; no amino-acid change (aspartic acid 33688 retained).
Molecular consequence: synonymous variant.
Genome position (GRCh38, 1-based): chr2:178,535,551, A>G on the plus strand (T>C on the coding strand, the complement: TTN is on the minus strand). VCF-style: chr2-178535551-A-G. GRCh37 (hg19) VCF-style: chr2-179400278-A-G.
Other names: p.D32047D:GAT>GAC; c.96141T>C, p.Asp32047= (NM_001256850.1); c.73869T>C, p.Asp24623= (NM_003319.4); c.93360T>C, p.Asp31120= (NM_133378.4); c.74244T>C, p.Asp24748= (NM_133432.3); c.74445T>C, p.Asp24815= (NM_133437.4).
Identifiers: ClinVar variation 47632 (VCV000047632.68), dbSNP rs368168812, ClinGen allele CA232516.
Genomic context (GRCh38, chr2:178,535,551, plus strand): 5'-TAAGTTGACAGAATCTCGTGAGACATCACTAACTTTGACTCCTCTGGGTGGGTCAGGAAC[A>G]TCAGCCACATCCAGTTCAACTGTCTTCTGATCAATTCCAAATCTGTTTTTAGCACAGACC-3'
Protein context (NP_001254479.2, residues 33678-33698): DQKTVELDVA[Asp33688=]VPDPPRGVKV